The following is an entry in ClinVar:

NM_006662.3(SRCAP):c.7215_7216del (p.Glu2405fs)

Gene: SRCAP (Snf2 related CREBBP activator protein; plus strand). Cytogenetic location: 16p11.2.
Variant type: Microsatellite.
Coding change: c.7215_7216del on transcript NM_006662.3 (MANE Select); coding-DNA positions 7215 to 7216, 2 bases deleted (GA; older notation c.7215_7216delGA).
Protein change: p.Glu2405fs; shifts the reading frame from glutamic acid 2405.
Molecular consequence: frameshift variant.
Genome position (GRCh38, 1-based): chr16:30,737,255-30,737,256, GA deleted; deleting any 2 consecutive bases within chr16:30,737,253-30,737,256 gives the same sequence; the c. name uses the placement nearest the transcript's 3' end. VCF-style (leftmost placement, unchanged base first): chr16-30737252-TGA-T. GRCh37 (hg19) VCF-style: chr16-30748573-TGA-T.
Other names: c.7215_7216delGA (NM_006662.3); short protein forms E2405fs.
Identifiers: ClinVar variation 2664695 (VCV002664695.1), dbSNP rs2053169650, ClinGen allele CA2216733256.

ClinVar aggregate classification (germline): Pathogenic (1 of 4 stars; one submission).

Conditions:
Floating-Harbor syndrome (FLHS). Also called: Short stature with delayed bone age, expressive language delay, a triangular face with a prominent nose and deep-set eyes; Pelletier-Leisti syndrome; SRCAP-Related Floating-Harbor Syndrome. Identifiers: Orphanet 2044, MedGen C0729582, MONDO:0007621, OMIM 136140.

Submission:

Genetics and Molecular Pathology, SA Pathology
Classification: Pathogenic for Floating-Harbor syndrome. Last evaluated: 2023-04-13. Review status: criteria provided, single submitter. Criteria: ACMG Guidelines, 2015. Collection method: clinical testing. Allele origin: germline. Inheritance: Autosomal dominant inheritance. Affected: yes.
Comment: The SRCAP c.7215_7216del variant is classified as PATHOGENIC (PVS1_Strong, PS2, PM2) This SRCAP c.7215_7216del variant is located in exon 34/34 and is predicted to cause a shift in the reading frame at codon 2405 (PVS1_strong). This variant is absent from population databases (PM2). This variant has not been reported in dbSNP, ClinVar or HGMD.